The following is an entry in ClinVar:

ClinVar aggregate classification (germline): Uncertain significance. Review status: criteria provided, multiple submitters, no conflicts (2 of 4 stars). 4 submissions from 4 submitters: Uncertain significance (4). Last evaluated 2025-12-02.

Conditions:
Hereditary nonpolyposis colorectal neoplasms. Identifiers: MedGen C0009405, MeSH D003123.
Hereditary cancer-predisposing syndrome. Also called: Hereditary neoplastic syndrome; Tumor predisposition; Hereditary Cancer Syndrome; Neoplastic Syndromes, Hereditary. Identifiers: Orphanet 140162, MedGen C0027672, MeSH D009386, MONDO:0015356.
Lynch syndrome 5 (LYNCH5). Also called: Colorectal cancer, hereditary nonpolyposis, type 5; Hereditary non-polyposis colorectal cancer, type 5. Identifiers: Orphanet 144, MedGen C1833477, MONDO:0013710, OMIM 614350. Disease mechanism: loss of function.

Submissions (4):

Labcorp Genetics (formerly Invitae), Labcorp
Classification: Uncertain significance for Hereditary nonpolyposis colorectal neoplasms. Last evaluated: 2025-12-02. Review status: criteria provided, single submitter. Criteria: Invitae Variant Classification Sherloc (09022015). Collection method: clinical testing. Allele origin: germline.
Comment: This variant, c.4034_4042del, results in the deletion of 3 amino acid(s) of the MSH6 protein (p.Val1345_Ala1347del), but otherwise preserves the integrity of the reading frame. This variant is not present in population databases (gnomAD no frequency). This variant has been observed in individual(s) with colorectal cancer or breast cancer (PMID: 35534704). ClinVar contains an entry for this variant (Variation ID: 220947). Experimental studies and prediction algorithms are not available or were not evaluated, and the functional significance of this variant is currently unknown. In summary, the available evidence is currently insufficient to determine the role of this variant in disease. Therefore, it has been classified as a Variant of Uncertain Significance.

Quest Diagnostics Nichols Institute San Juan Capistrano
Classification: Uncertain significance. Last evaluated: 2025-07-25. Review status: criteria provided, single submitter. Criteria: Quest Diagnostics criteria. Collection method: clinical testing. Allele origin: unknown.
Comment: The MSH6 c.4034_4042del (p.Val1345_Ala1347del) variant has been reported in the published literature in an individual with colorectal cancer (PMID: 35534704 (2022)). This variant has not been reported in large, multi-ethnic general populations (Genome Aggregation Database). Based on the available information, we are unable to determine the clinical significance of this variant.

Ambry Genetics
Classification: Uncertain significance for Hereditary cancer-predisposing syndrome. Last evaluated: 2023-05-05. Review status: criteria provided, single submitter. Criteria: Ambry Variant Classification Scheme 2023. Collection method: clinical testing. Allele origin: germline.
Comment: The c.4034_4042delTAGATGCTG variant (also known as p.V1345_A1347del) is located in coding exon 10 of the MSH6 gene. This variant results from an in-frame TAGATGCTG deletion at nucleotide positions 4034 to 4042. This results in the deletion of three amino acids between codons 1345 and 1347. These amino acid positions are well conserved in available vertebrate species. Since supporting evidence is limited at this time, the clinical significance of this alteration remains unclear.

Mendelics
Classification: Uncertain significance for Lynch syndrome 5. Last evaluated: 2019-05-28. Review status: criteria provided, single submitter. Criteria: Mendelics Assertion Criteria 2017. Collection method: clinical testing. Allele origin: unknown.

Literature cited by the submitters: PubMed 35534704 (cited by Labcorp Genetics (formerly Invitae), Labcorp and Quest Diagnostics Nichols Institute San Juan Capistrano).

NM_000179.3(MSH6):c.4034_4042del (p.Val1345_Ala1347del)

Gene: MSH6 (mutS homolog 6; plus strand). Cytogenetic location: 2p16.3.
Variant type: Deletion.
Coding change: c.4034_4042del on transcript NM_000179.3 (MANE Select); coding-DNA positions 4034 to 4042, 9 bases deleted (TAGATGCTG; older notation c.4034_4042delTAGATGCTG).
Protein change: p.Val1345_Ala1347del.
Molecular consequence: inframe deletion.
Genome position (GRCh38, 1-based): chr2:47,806,811-47,806,819, TAGATGCTG deleted; deleting any 9 consecutive bases within chr2:47,806,808-47,806,819 gives the same sequence; the c. name uses the placement nearest the transcript's 3' end. VCF-style (leftmost placement, unchanged base first): chr2-47806807-ACTGTAGATG-A. GRCh37 (hg19) VCF-style: chr2-48033946-ACTGTAGATG-A.
Other names: c.3644_3652del, p.Val1215_Ala1217del (NM_001281492.2); c.3128_3136del, p.Val1043_Ala1045del (NM_001281493.2, NM_001281494.2); c.4034_4042delTAGATGCTG (NM_000179.2).
Identifiers: ClinVar variation 220947 (VCV000220947.17), dbSNP rs864622703, ClinGen allele CA348238.
Genomic context (GRCh38, chr2:47,806,807, plus strand): 5'-AAAACTTTTTTTTTTTTTTTTTTAATTTTAAGGGAAGTTTGCCTGGCTAGTGAAAGGTCA[ACTGTAGATG>A]CTGAAGCTGTCCATAAATTGCTGACTTTGATTAAGGAATTATAGACTGACTACATTGGAA-3'